The following is an entry in ClinVar:

NM_003355.3(UCP2):c.226C>T (p.Arg76Ter)

Gene: UCP2 (uncoupling protein 2; minus strand). Cytogenetic location: 11q13.4.
Variant type: single nucleotide variant.
Coding change: c.226C>T on transcript NM_003355.3 (MANE Select); coding-DNA position 226, C replaced by T.
Protein change: p.Arg76Ter; replaces arginine 76 with a stop codon.
Molecular consequence: nonsense.
Genome position (GRCh38, 1-based): chr11:73,977,997, G>A on the plus strand (C>T on the coding strand, the complement: UCP2 is on the minus strand). VCF-style: chr11-73977997-G-A. GRCh37 (hg19) VCF-style: chr11-73689042-G-A.
Other names: c.226C>T, p.Arg76Ter (NM_001381943.1, NM_001381944.1, NM_001381945.1 and 4 more transcripts); short protein forms R76*.
Identifiers: ClinVar variation 1388618 (VCV001388618.6), dbSNP rs771169175, ClinGen allele CA6181210.

ClinVar aggregate classification (germline): Uncertain significance (1 of 4 stars; one submission).

Allele frequency attached by ClinVar (database versions not stated): gnomAD exomes 0.00001 and below 0.00001; TOPMed 0.00001; gnomAD 0.00001; ExAC 0.00002.

Submission:

Labcorp Genetics (formerly Invitae), Labcorp
Classification: Uncertain significance. Last evaluated: 2025-03-31. Review status: criteria provided, single submitter. Criteria: Invitae Variant Classification Sherloc (09022015). Collection method: clinical testing. Allele origin: germline.
Comment: This sequence change creates a premature translational stop signal (p.Arg76*) in the UCP2 gene. It is expected to result in an absent or disrupted protein product. However, the current clinical and genetic evidence is not sufficient to establish whether loss-of-function variants in UCP2 cause disease. This variant is present in population databases (rs771169175, gnomAD 0.005%). This variant has not been reported in the literature in individuals affected with UCP2-related conditions. ClinVar contains an entry for this variant (Variation ID: 1388618). In summary, the available evidence is currently insufficient to determine the role of this variant in disease. Therefore, it has been classified as a Variant of Uncertain Significance.